The following is an entry in ClinVar:

ClinVar aggregate classification (germline): Uncertain significance (1 of 4 stars; one submission).

Conditions:
Rhabdoid tumor predisposition syndrome 2 (RTPS2). Identifiers: Orphanet 231108, Orphanet 69077, MedGen C2750074, MONDO:0013224, OMIM 613325.

Submission:

Labcorp Genetics (formerly Invitae), Labcorp
Classification: Uncertain significance for Rhabdoid tumor predisposition syndrome 2. Last evaluated: 2023-04-22. Review status: criteria provided, single submitter. Criteria: Invitae Variant Classification Sherloc (09022015). Collection method: clinical testing. Allele origin: germline.
Comment: This variant has not been reported in the literature in individuals affected with SMARCA4-related conditions. This variant is not present in population databases (gnomAD no frequency). This sequence change falls in intron 34 of the SMARCA4 gene. It does not directly change the encoded amino acid sequence of the SMARCA4 protein. It affects a nucleotide within the consensus splice site. ClinVar contains an entry for this variant (Variation ID: 2112386). In summary, the available evidence is currently insufficient to determine the role of this variant in disease. Therefore, it has been classified as a Variant of Uncertain Significance. Variants that disrupt the consensus splice site are a relatively common cause of aberrant splicing (PMID: 17576681, 9536098). RNA analysis provides insufficient evidence to determine the effect of this variant on SMARCA4 splicing (Invitae).

Literature cited by the submitters: PubMed 17576681; PubMed 9536098.

NM_003072.5(SMARCA4):c.4768+5G>A

Gene: SMARCA4 (SWI/SNF related BAF chromatin remodeling complex subunit ATPase 4; plus strand). Cytogenetic location: 19p13.2.
Variant type: single nucleotide variant.
Coding change: c.4768+5G>A on transcript NM_003072.5 (MANE Select); 5 bases into the intron after coding-DNA position 4768, G replaced by A.
Molecular consequence: intron variant.
Genome position (GRCh38, 1-based): chr19:11,059,890, G>A. VCF-style: chr19-11059890-G-A. GRCh37 (hg19) VCF-style: chr19-11170566-G-A.
Other names: c.4768+5G>A (NM_001128844.3); c.4864+5G>A (NM_001128849.3, NM_001387283.1); c.4669+5G>A (NM_001128847.4, NM_001374457.1); c.4678+5G>A (NM_001128845.2); c.4675+5G>A (NM_001128846.2); c.4666+5G>A (NM_001128848.2).
Identifiers: ClinVar variation 2112386 (VCV002112386.4), dbSNP rs2147116910, ClinGen allele CA2580096363.